The following is an entry in ClinVar:

NM_032119.4(ADGRV1):c.3290-174C>T

Gene: ADGRV1 (adhesion G protein-coupled receptor V1; plus strand). Cytogenetic location: 5q14.3.
Variant type: single nucleotide variant.
Coding change: c.3290-174C>T on transcript NM_032119.4 (MANE Select); 174 bases into the intron before coding-DNA position 3290, C replaced by T.
Molecular consequence: intron variant.
Genome position (GRCh38, 1-based): chr5:90,651,430, C>T. VCF-style: chr5-90651430-C-T. GRCh37 (hg19) VCF-style: chr5-89947247-C-T.
Identifiers: ClinVar variation 678817 (VCV000678817.1), dbSNP rs908818, ClinGen allele CA121837611.

ClinVar aggregate classification (germline): Benign (1 of 4 stars; one submission).

Allele frequency attached by ClinVar (database versions not stated): gnomAD 0.39524 and 0.39913; 1000 Genomes Project 30x 0.40834; TOPMed 0.41108; 1000 Genomes Project 0.41114.
gnomAD v4.1: 60,765 of 151,920 alleles (40%); highest among the groups gnomAD compares: Admixed American, 55%; 12,671 homozygotes.

Submission:

GeneDx
Classification: Benign. Last evaluated: 2018-06-14. Review status: criteria provided, single submitter. Criteria: GeneDx Variant Classification (06012015). Collection method: clinical testing. Allele origin: germline. Affected: yes.
Comment: This variant is considered likely benign or benign based on one or more of the following criteria: it is a conservative change, it occurs at a poorly conserved position in the protein, it is predicted to be benign by multiple in silico algorithms, and/or has population frequency not consistent with disease.